The following is an entry in ClinVar:

NM_002382.5(MAX):c.299G>A (p.Arg100His)

Gene: MAX (MYC associated transcriptional regulator X; minus strand). Cytogenetic location: 14q23.3.
Variant type: single nucleotide variant.
Coding change: c.299G>A on transcript NM_002382.5 (MANE Select); coding-DNA position 299, G replaced by A.
Protein change: p.Arg100His; replaces arginine 100 with histidine.
Molecular consequence: missense variant. On other transcripts: 3 prime UTR variant (1), intron variant (2).
Genome position (GRCh38, 1-based): chr14:65,076,660, C>T on the plus strand (G>A on the coding strand, the complement: MAX is on the minus strand). VCF-style: chr14-65076660-C-T. GRCh37 (hg19) VCF-style: chr14-65543378-C-T.
Other names: c.110G>A, p.Arg37His (NM_001320415.2, NM_001407105.1, NM_001407106.1 and 1 more transcripts); c.299G>A, p.Arg100His (NM_001407094.1); c.272G>A, p.Arg91His (NM_001407095.1, NM_145112.3); c.*72G>A (NM_001407096.1, NM_001407099.1, NM_001407102.1 and 2 more transcripts); c.*88G>A (NM_001407097.1, NM_001407100.1, NM_001407101.1 and 4 more transcripts); c.191G>A, p.Arg64His (NM_001407098.1); c.98G>A, p.Arg33His (NM_001407111.1, NM_001407112.1); c.144+17048G>A (NM_001271069.2); and 1 more; short protein forms R100H, R91H, R37H, R64H, R33H.
Identifiers: ClinVar variation 654236 (VCV000654236.18), dbSNP rs776978293, ClinGen allele CA7232812.

ClinVar aggregate classification (germline): Uncertain significance. Review status: criteria provided, multiple submitters, no conflicts (2 of 4 stars). 3 submissions from 3 submitters: Uncertain significance (3). Last evaluated 2025-11-03.

Conditions:
Hereditary cancer-predisposing syndrome. Also called: Tumor predisposition; Hereditary Cancer Syndrome; Hereditary neoplastic syndrome; Neoplastic Syndromes, Hereditary. Identifiers: Orphanet 140162, MedGen C0027672, MeSH D009386, MONDO:0015356.
Pheochromocytoma. Also called: MAX-Related Hereditary Paraganglioma-Pheochromocytoma Syndrome. Identifiers: Orphanet 29072, MedGen C0031511, MONDO:0008233, OMIM 171300, HP:0002666.
Hereditary pheochromocytoma and paraganglioma. Also called: Hereditary paragangliomas and pheochromocytomas; Hereditary pheochromocytoma-paraganglioma; Hereditary Paraganglioma-Pheochromocytoma Syndromes. Identifiers: Orphanet 29072, MedGen C4274332, MONDO:0017366.

Allele frequency attached by ClinVar (database versions not stated): gnomAD exomes below 0.00001 and 0.00001; ExAC 0.00001; gnomAD 0.00001.
gnomAD v4.1: 12 of 1,614,036 alleles (0.00074%); highest among the groups gnomAD compares: Admixed American, 0.0017%; no homozygotes.

Submissions (3):

Labcorp Genetics (formerly Invitae), Labcorp
Classification: Uncertain significance for Hereditary pheochromocytoma and paraganglioma. Last evaluated: 2025-11-03. Review status: criteria provided, single submitter. Criteria: Invitae Variant Classification Sherloc (09022015). Collection method: clinical testing. Allele origin: germline.
Comment: This sequence change replaces arginine, which is basic and polar, with histidine, which is basic and polar, at codon 100 of the MAX protein (p.Arg100His). This variant is not present in population databases (gnomAD no frequency). This variant has not been reported in the literature in individuals affected with MAX-related conditions. ClinVar contains an entry for this variant (Variation ID: 654236). Invitae Evidence Modeling incorporating data from in vitro experimental studies (internal data) indicates that this missense variant is not expected to disrupt MAX function with a negative predictive value of 95%. In summary, the available evidence is currently insufficient to determine the role of this variant in disease. Therefore, it has been classified as a Variant of Uncertain Significance.

Ambry Genetics
Classification: Uncertain significance for Hereditary cancer-predisposing syndrome. Last evaluated: 2024-04-03. Review status: criteria provided, single submitter. Criteria: Ambry Variant Classification Scheme 2023. Collection method: clinical testing. Allele origin: germline.
Comment: The p.R100H variant (also known as c.299G>A), located in coding exon 5 of the MAX gene, results from a G to A substitution at nucleotide position 299. The arginine at codon 100 is replaced by histidine, an amino acid with highly similar properties. This amino acid position is highly conserved in available vertebrate species. In addition, this alteration is predicted to be deleterious by in silico analysis. Since supporting evidence is limited at this time, the clinical significance of this alteration remains unclear.

Baylor Genetics
Classification: Uncertain significance for Pheochromocytoma. Last evaluated: 2023-08-21. Review status: criteria provided, single submitter. Criteria: ACMG Guidelines, 2015. Collection method: clinical testing. Allele origin: unknown.